The following is an entry in ClinVar:

NM_002528.7(NTHL1):c.151C>T (p.Arg51Trp)

Gene: NTHL1 (nth like DNA glycosylase 1; minus strand). Cytogenetic location: 16p13.3.
Variant type: single nucleotide variant.
Coding change: c.151C>T on transcript NM_002528.7 (MANE Select); coding-DNA position 151, C replaced by T.
Protein change: p.Arg51Trp; replaces arginine 51 with tryptophan.
Molecular consequence: missense variant. On other transcripts: 5 prime UTR variant (1).
Genome position (GRCh38, 1-based): chr16:2,046,331, G>A on the plus strand (C>T on the coding strand, the complement: NTHL1 is on the minus strand). VCF-style: chr16-2046331-G-A. GRCh37 (hg19) VCF-style: chr16-2096332-G-A.
Other names: c.151C>T, p.Arg51Trp (LRG_1366t1, NM_001318193.2); c.-28C>T (NM_001318194.2); short protein forms R51W.
Identifiers: ClinVar variation 656985 (VCV000656985.24), dbSNP rs376907606, ClinGen allele CA7828355.
Genomic context (GRCh38, chr16:2,046,331, plus strand): 5'-CCCCCTCACCTTTCTCACTGTCCGAGCCCTCATAGGCCACACGCAGTCTCTGTGCTTTCC[G>A]CGGACGCTTCACGGGGCTGTGGCTTTTCCTCGCTTCTGCAAAAAGCACCACGCAGTCCCT-3'
Protein context (NP_002519.2, residues 41-61): RKSHSPVKRP[Arg51Trp]KAQRLRVAYE

ClinVar aggregate classification (germline): Conflicting classifications of pathogenicity. Review status: criteria provided, conflicting classifications (1 of 4 stars). 8 submissions from 8 submitters: Uncertain significance (7); Likely benign (1). Last evaluated 2026-02-13.

Conditions:
NTHL1-related disorder. Also called: NTHL1-related condition; NTHL1-related conditions.
Familial adenomatous polyposis 3. Also called: NTHL1-Related Adenomatous Polyposis and Colorectal Cancer; NTHL1-associated polyposis; NTHL1-related attenuated familial adenomatous polyposis; NTHL1 Tumor Syndrome. Identifiers: Orphanet 220460, Orphanet 454840, MedGen C4225157, MONDO:0014630, OMIM 616415.
Hereditary cancer-predisposing syndrome. Also called: Tumor predisposition; Hereditary neoplastic syndrome; Hereditary Cancer Syndrome; Neoplastic Syndromes, Hereditary. Identifiers: Orphanet 140162, MedGen C0027672, MeSH D009386, MONDO:0015356.

Allele frequency attached by ClinVar (database versions not stated): ExAC 0.00002; gnomAD exomes 0.00002; gnomAD 0.00004; TOPMed 0.00005; ESP Exome Variant Server 0.00008.
gnomAD v4.1: 30 of 1,610,366 alleles (0.0019%); highest among the groups gnomAD compares: Middle Eastern, 0.016%; no homozygotes.

Submissions (8):

PreventionGenetics, part of Exact Sciences
Classification: Uncertain significance for NTHL1-related condition. Last evaluated: 2026-02-13. Review status: criteria provided, single submitter. Criteria: ACMG Guidelines, 2015. Collection method: clinical testing. Allele origin: germline.
Comment: The NTHL1 c.175C>T variant is predicted to result in the amino acid substitution p.Arg59Trp. To our knowledge, this variant has not been reported in the literature. This variant is reported in 0.0054% of alleles in individuals of East Asian descent in gnomAD, and has conflicting interpretations in ClinVar, ranging from uncertain to likely benign (Variation ID: 656985). At this time, the clinical significance of this variant is uncertain due to the absence of conclusive functional and genetic evidence.

Labcorp Genetics (formerly Invitae), Labcorp
Classification: Uncertain significance. Last evaluated: 2026-01-26. Review status: criteria provided, single submitter. Criteria: Invitae Variant Classification Sherloc (09022015). Collection method: clinical testing. Allele origin: germline.
Comment: This sequence change replaces arginine, which is basic and polar, with tryptophan, which is neutral and slightly polar, at codon 59 of the NTHL1 protein (p.Arg59Trp). This variant is present in population databases (rs376907606, gnomAD 0.006%). This variant has not been reported in the literature in individuals affected with NTHL1-related conditions. ClinVar contains an entry for this variant (Variation ID: 656985). An algorithm developed to predict the effect of missense changes on protein structure and function (PolyPhen-2) suggests that this variant is likely to be disruptive. In summary, the available evidence is currently insufficient to determine the role of this variant in disease. Therefore, it has been classified as a Variant of Uncertain Significance.

Praxis Für Humangenetik, Biosciencia MVZ Labor Saar
Classification: Uncertain significance for Hereditary cancer-predisposing syndrome. Last evaluated: 2025-12-09. Review status: criteria provided, single submitter. Criteria: ACMG Guidelines, 2015. Collection method: clinical testing. Allele origin: germline.

Ambry Genetics
Classification: Likely benign for Hereditary cancer-predisposing syndrome. Last evaluated: 2024-12-30. Review status: criteria provided, single submitter. Criteria: Ambry Variant Classification Scheme 2023. Collection method: clinical testing. Allele origin: germline.

Quest Diagnostics Nichols Institute San Juan Capistrano
Classification: Uncertain significance. Last evaluated: 2024-09-20. Review status: criteria provided, single submitter. Criteria: Quest Diagnostics criteria. Collection method: clinical testing. Allele origin: unknown.
Comment: The NTHL1 c.175C>T (p.Arg59Trp) variant has not been reported in individuals with NTHL1-related conditions in the published literature. The frequency of this variant in the general population, 0.000035 (4/112910 chromosomes (Genome Aggregation Database)), is uninformative in the assessment of its pathogenicity. Analysis of this variant using bioinformatics tools for the prediction of the effect of amino acid changes on protein structure and function yielded conflicting predictions that this variant is benign or damaging. Based on the available information, we are unable to determine the clinical significance of this variant.

Baylor Genetics
Classification: Uncertain significance for Familial adenomatous polyposis 3. Last evaluated: 2024-01-02. Review status: criteria provided, single submitter. Criteria: ACMG Guidelines, 2015. Collection method: clinical testing. Allele origin: unknown.

Sema4
Classification: Uncertain significance for Hereditary cancer-predisposing syndrome. Last evaluated: 2021-11-05. Review status: criteria provided, single submitter. Criteria: Sema4 Curation Guidelines. Collection method: curation. Allele origin: germline.
Comment: The NTHL1 c.175C>T(p.R59W) variant has not been reported in the literature to our knowledge. It was observed in 5/249998 chromosomes across all populations, in the large and broad cohorts of the Genome Aggregation Database (PMID: 32461654). The variant has been reported in ClinVar (Variation ID: 656985). In silico tools suggest the impact of the variant on protein function is benign, though these predictions have not been confirmed by functional studies. The evidence is insufficient to meet ACMG/AMP criteria for classifying the variant as benign or pathogenic. Thus, the clinical significance of this variant is currently uncertain.

GeneDx
Classification: Uncertain significance. Last evaluated: 2020-02-07. Review status: criteria provided, single submitter. Criteria: GeneDx Variant Classification Process June 2021. Collection method: clinical testing. Allele origin: germline. Affected: yes.
Comment: In silico analysis supports that this missense variant has a deleterious effect on protein structure/function; Has not been previously published as pathogenic or benign to our knowledge